The following is an entry in ClinVar:

ClinVar aggregate classification (germline): Uncertain significance. Review status: criteria provided, multiple submitters, no conflicts (2 of 4 stars). 2 submissions from 2 submitters: Uncertain significance (2). Last evaluated 2025-09-09.

Conditions:
Hereditary cancer-predisposing syndrome. Also called: Neoplastic Syndromes, Hereditary; Tumor predisposition; Hereditary Cancer Syndrome; Hereditary neoplastic syndrome. Identifiers: Orphanet 140162, MedGen C0027672, MeSH D009386, MONDO:0015356.
Mitochondrial complex II deficiency, nuclear type 1. Also called: SUCCINATE CoQ REDUCTASE DEFICIENCY. Identifiers: Orphanet 3208, MedGen C5700310, MONDO:0100294, OMIM 252011.
Pheochromocytoma/paraganglioma syndrome 5. Also called: Paragangliomas 5; SDHA-Related Hereditary Paraganglioma-Pheochromocytoma Syndrome. Identifiers: Orphanet 29072, MedGen C3279992, MONDO:0013602, OMIM 614165.

Submissions (2):

Ambry Genetics
Classification: Uncertain significance for Hereditary cancer-predisposing syndrome. Last evaluated: 2025-09-09. Review status: criteria provided, single submitter. Criteria: Ambry Variant Classification Scheme 2023. Collection method: clinical testing. Allele origin: germline.
Comment: The p.Y156C variant (also known as c.467A>G), located in coding exon 5 of the SDHA gene, results from an A to G substitution at nucleotide position 467. The tyrosine at codon 156 is replaced by cysteine, an amino acid with highly dissimilar properties. This amino acid position is not well conserved in available vertebrate species. In addition, the in silico prediction for this alteration is inconclusive. Based on the available evidence, the clinical significance of this variant remains unclear.

Labcorp Genetics (formerly Invitae), Labcorp
Classification: Uncertain significance for Pheochromocytoma/paraganglioma syndrome 5; Mitochondrial complex II deficiency, nuclear type 1. Last evaluated: 2024-06-05. Review status: criteria provided, single submitter. Criteria: Invitae Variant Classification Sherloc (09022015). Collection method: clinical testing. Allele origin: germline.
Comment: This sequence change replaces tyrosine, which is neutral and polar, with cysteine, which is neutral and slightly polar, at codon 156 of the SDHA protein (p.Tyr156Cys). This variant is not present in population databases (gnomAD no frequency). This variant has not been reported in the literature in individuals affected with SDHA-related conditions. Advanced modeling of protein sequence and biophysical properties (such as structural, functional, and spatial information, amino acid conservation, physicochemical variation, residue mobility, and thermodynamic stability) has been performed at Invitae for this missense variant, however the output from this modeling did not meet the statistical confidence thresholds required to predict the impact of this variant on SDHA protein function. In summary, the available evidence is currently insufficient to determine the role of this variant in disease. Therefore, it has been classified as a Variant of Uncertain Significance.

NM_004168.4(SDHA):c.467A>G (p.Tyr156Cys)

Gene: SDHA (succinate dehydrogenase complex flavoprotein subunit A; plus strand). Cytogenetic location: 5p15.33.
Variant type: single nucleotide variant.
Coding change: c.467A>G on transcript NM_004168.4 (MANE Select); coding-DNA position 467, A replaced by G.
Protein change: p.Tyr156Cys; replaces tyrosine 156 with cysteine.
Molecular consequence: missense variant.
Genome position (GRCh38, 1-based): chr5:225,893, A>G. VCF-style: chr5-225893-A-G. GRCh37 (hg19) VCF-style: chr5-226008-A-G.
Other names: c.467A>G (NM_004168.2); c.323A>G, p.Tyr108Cys (NM_001294332.2); c.467A>G, p.Tyr156Cys (NM_001330758.2); short protein forms Y156C, Y108C.
Identifiers: ClinVar variation 2931467 (VCV002931467.4), dbSNP rs774589410, ClinGen allele CA359009845.
Genomic context (GRCh38, chr5:225,893, plus strand): 5'-CTTGACTCCTTTAAGGTGTTAAGGTTTTTGTTTGTTTTTATCTTTCACAGCTAGAAAATT[A>G]TGGCATGCCGTTTAGCAGAACTGAAGATGGGAAGATTTATCAGCGTGCATTTGGTGGACA-3'
Protein context (NP_004159.2, residues 146-166): APAAVVELEN[Tyr156Cys]GMPFSRTEDG